The following is an entry in ClinVar:

NM_001375808.2(LPIN2):c.2358C>A (p.Phe786Leu)

Gene: LPIN2 (lipin 2; minus strand). Cytogenetic location: 18p11.31.
Variant type: single nucleotide variant.
Coding change: c.2358C>A on transcript NM_001375808.2 (MANE Select); coding-DNA position 2358, C replaced by A.
Protein change: p.Phe786Leu; replaces phenylalanine 786 with leucine.
Molecular consequence: missense variant.
Genome position (GRCh38, 1-based): chr18:2,921,617, G>T on the plus strand (C>A on the coding strand, the complement: LPIN2 is on the minus strand). VCF-style: chr18-2921617-G-T. GRCh37 (hg19) VCF-style: chr18-2921615-G-T.
Other names: c.2358C>A, p.Phe786Leu (NM_001375809.1, NM_014646.2); short protein forms F786L.
Identifiers: ClinVar variation 2063615 (VCV002063615.4), dbSNP rs2510240974, ClinGen allele CA401696007.

ClinVar aggregate classification (germline): Uncertain significance (1 of 4 stars; one submission).

Conditions:
Majeed syndrome (MJDS). Also called: CHRONIC RECURRENT MULTIFOCAL OSTEOMYELITIS 1, WITH CONGENITAL DYSERYTHROPOIETIC ANEMIA, WITH OR WITHOUT NEUTROPHILIC DERMATOSIS; LPIN2-Related Majeed Syndrome. Identifiers: Orphanet 77297, MedGen C1864997, MONDO:0012316, OMIM 609628.

Submission:

Labcorp Genetics (formerly Invitae), Labcorp
Classification: Uncertain significance for Majeed syndrome. Last evaluated: 2025-07-31. Review status: criteria provided, single submitter. Criteria: Invitae Variant Classification Sherloc (09022015). Collection method: clinical testing. Allele origin: germline.
Comment: This sequence change replaces phenylalanine, which is neutral and non-polar, with leucine, which is neutral and non-polar, at codon 786 of the LPIN2 protein (p.Phe786Leu). This variant is not present in population databases (gnomAD no frequency). This variant has not been reported in the literature in individuals affected with LPIN2-related conditions. ClinVar contains an entry for this variant (Variation ID: 2063615). Invitae Evidence Modeling of protein sequence and biophysical properties (such as structural, functional, and spatial information, amino acid conservation, physicochemical variation, residue mobility, and thermodynamic stability) indicates that this missense variant is expected to disrupt LPIN2 protein function with a positive predictive value of 80%. In summary, the available evidence is currently insufficient to determine the role of this variant in disease. Therefore, it has been classified as a Variant of Uncertain Significance.